The following is an entry in ClinVar:

NM_001321120.2(TBX4):c.335A>G (p.Lys112Arg)

Gene: TBX4 (T-box transcription factor 4; plus strand). Cytogenetic location: 17q23.2.
Variant type: single nucleotide variant.
Coding change: c.335A>G on transcript NM_001321120.2 (MANE Select); coding-DNA position 335, A replaced by G.
Protein change: p.Lys112Arg; replaces lysine 112 with arginine.
Molecular consequence: missense variant.
Genome position (GRCh38, 1-based): chr17:61,465,872, A>G. VCF-style: chr17-61465872-A-G. GRCh37 (hg19) VCF-style: chr17-59543233-A-G.
Other names: c.335A>G, p.Lys112Arg (LRG_1206t1, NM_018488.3); short protein forms K112R.
Identifiers: ClinVar variation 324250 (VCV000324250.7), dbSNP rs377571192, ClinGen allele CA8689795.

ClinVar aggregate classification (germline): Conflicting classifications of pathogenicity. Review status: criteria provided, conflicting classifications (1 of 4 stars). 2 submissions from 2 submitters: Uncertain significance (1); Likely benign (1). Last evaluated 2023-01-18.

Conditions:
Coxopodopatellar syndrome. Also called: ISCHIOPATELLAR DYSPLASIA; SCOTT-TAOR SYNDROME; Small patella syndrome; ISCHIOCOXOPODOPATELLAR SYNDROME; PATELLA APLASIA, COXA VARA, AND TARSAL SYNOSTOSIS; Congenital coxa vara, patella aplasia and tarsal synostosis. Identifiers: Orphanet 1509, MedGen C1840061, MONDO:0007841, OMIM 147891.
Inborn genetic diseases. Identifiers: MedGen C0950123, MeSH D030342.

Allele frequency attached by ClinVar (database versions not stated): ExAC 0.00002; gnomAD exomes 0.00002 and 0.00008; TOPMed 0.00002; gnomAD 0.00003 and 0.00004; ESP Exome Variant Server 0.00008.
gnomAD v4.1: 116 of 1,614,002 alleles (0.0072%); highest among the groups gnomAD compares: Non-Finnish European, 0.0097%; no homozygotes.

Submissions (2):

Ambry Genetics
Classification: Uncertain significance for Inborn genetic diseases. Last evaluated: 2023-01-18. Review status: criteria provided, single submitter. Criteria: Ambry Variant Classification Scheme 2023. Collection method: clinical testing. Allele origin: germline.

Illumina Laboratory Services, Illumina
Classification: Likely benign for Coxopodopatellar syndrome. Last evaluated: 2018-01-13. Review status: criteria provided, single submitter. Criteria: ICSL Variant Classification Criteria 13 December 2019. Collection method: clinical testing. Allele origin: germline.
Comment: This variant was observed in the ICSL laboratory as part of a predisposition screen in an ostensibly healthy population. It had not been previously curated by ICSL or reported in the Human Gene Mutation Database (HGMD: prior to June 1st, 2018), and was therefore a candidate for classification through an automated scoring system. Utilizing variant allele frequency, disease prevalence and penetrance estimates, and inheritance mode, an automated score was calculated to assess if this variant is too frequent to cause the disease. Based on the score and internal cut-off values, a variant classified as likely benign is not then subjected to further curation. The score for this variant resulted in a classification of likely benign for this disease.